The following continues an entry in ClinVar:

NM_000551.4(VHL):c.562C>G (p.Leu188Val)

ClinVar aggregate classification (germline): Uncertain significance. Uncertain significance (1).

Submissions 6 to 14 of 25:

GeneDx
Classification: Likely pathogenic. Last evaluated: 2025-06-25. Review status: criteria provided, single submitter. Criteria: GeneDx Variant Classification Process June 2021. Collection method: clinical testing. Allele origin: germline. Affected: yes. Not counted in ClinVar's aggregate classification.
Comment: Observed in the heterozygous state in multiple adult individuals without VHL-related tumors tested at GeneDx and in the literature, suggesting this variant may be associated with reduced penetrance (PMID: 29625052, 30113886, 31447099, 34720947, 35668420); Co-observed with a second VHL variant in individuals with recessively-inherited congenital polycythemia; however, additional evidence is needed to establish whether there is a relationship between this variant and autosomal recessive disease (PMID: 12844285, 15642680, 23772956, 35142155); Published functional studies demonstrate retained ability to ubiquitinate and degrade hypoxia-inducible factor (HIF)-1 as well as downregulate HIF-1 target genes, normal to reduced protein stability, and retained or reduced protein binding, but also show defective fibronectin extracellular matrix assembly as well as impaired interaction with mitochondrial proteins (PMID: 10878807, 11331613, 11331612, 12944410, 15574766, 16585181, 16452184, 19030229, 17700531, 19602254, 19228690, 26846855, 30890701, 35760869); In silico analysis indicates that this missense variant does not alter protein structure/function; Not observed at significant frequency in large population cohorts (gnomAD); Also known as Leu259Val; This variant is associated with the following publications: (PMID: 12097293, 11331613, 23772956, 7987306, 8772572, 11331612, 19030229, 16585181, 8634692, 15177666, 12000816, 19228690, 7563486, 22393103, 11409863, 27517496, 30105105, 30113886, 19602254, 16452184, 18567581, 15642680, 18836774, 19906784, 25371412, 28620007, 27114602, 24969085, 12844285, 28235946, 28945216, 28503092, 8707293, 10878807, 8956040, 29478617, 12944410, 26846855, 15574766, 17898043, 29790589, 29625052, 30890701, 9829911, 31447099, 31980715, 32869749, 34308366, 34720947, 35205407, 34628056, 29748190, 17700531, 35760869, 35668420, 33720516, 35142155, 12414898, 36451132, 36744932)

Molecular Pathology, Peter Maccallum Cancer Centre
Classification: Likely pathogenic for Von Hippel-Lindau syndrome. Last evaluated: 2025-03-14. Review status: criteria provided, single submitter. Criteria: ACMG Guidelines, 2015. Collection method: clinical testing. Allele origin: germline. Inheritance: Autosomal dominant inheritance. Not counted in ClinVar's aggregate classification.

CeGaT Center for Human Genetics Tuebingen
Classification: Pathogenic. Last evaluated: 2025-03-01. Review status: criteria provided, single submitter. Criteria: CeGaT Center For Human Genetics Tuebingen Variant Classification Criteria Version 2. Collection method: clinical testing. Allele origin: germline. Affected: yes. Observed: 1 variant allele. Not counted in ClinVar's aggregate classification.
Comment: VHL: PM1, PM2, PM5, PP1:Moderate, PS4:Moderate, PS3:Supporting

Ambry Genetics
Classification: Likely pathogenic for Hereditary cancer-predisposing syndrome. Last evaluated: 2025-01-08. Review status: criteria provided, single submitter. Criteria: Ambry Variant Classification Scheme 2023. Collection method: clinical testing. Allele origin: germline. Not counted in ClinVar's aggregate classification.
Comment: The p.L188V variant (also known as c.562C>G), located in coding exon 3 of the VHL gene, results from a C to G substitution at nucleotide position 562. The leucine at codon 188 is replaced by valine, an amino acid with highly similar properties. This variant has been reported in several individuals and families with VHL or VHL related tumors (Ritter MM et al. J. Clin. Endocrinol. Metab. 1996 Mar;81(3):1035-7; Neumann HP et al. JAMA. 1995 Oct;274(14):1149-51; Crossey PA et al. Hum. Mol. Genet. 1994 Aug;3(8):1303-8; Weirich G et al. J Clin Endocrinol Metab, 2002 Nov;87:5241-6) and in conjunction with a VHL mutation in multiple individuals affected with autosomal recessive polycythemia (Bento MC et al. Haematologica. 2005 Jan;90(1):128-9; Lorenzo FR et al. Br. J. Haematol. 2013 Sep;162(6):851-3; Pastore Y et al. Am J Hum Genet, 2003 Aug;73:412-9). Functional studies demonstrate that this variant is characteristic of VHL type 2C alterations in that it maintains the ability to ubiquitinate and downregulate key targets such as HIF2a (Hoffman MA et al. Hum. Mol. Genet., 2001 May;10:1019-27; Hacker KE et al. PLoS ONE, 2008 Nov;3:e3801), and is deficient at extracellular matrix formation (Kurban G et al. Cancer Res., 2006 Feb;66:1313-9). Further studies which injected human RCC cells containing this variant into nude mice showed the formation of highly vascularized, invasive tumors in contrast to those containing wild type VHL that formed no tumors (Kurban G et al. Cancer Res., 2006 Feb;66:1313-9). This variant was also determined to be functionally deleterious in one saturation genome editing assay (Buckley M et al. Nat Genet 2024 Jul;56(7):1446-1455). This alteration has been identified in numerous individuals that do not have a diagnosis of VHL, or any VHL associated tumors (Ambry internal data) suggesting this variant may be associated with significantly reduced penetrance. This amino acid position is highly conserved in available vertebrate species. In addition, this alteration is predicted to be deleterious by in silico analysis. Based on the majority of available evidence to date, p.L188V is likely to be a low penetrance pathogenic variant and may not be associated with classic von Hippel Lindau disease or associated tumors. Clinical correlation is advised.

Blueprint Genetics
Classification: Likely pathogenic for VHL-related disorders. Last evaluated: 2024-03-27. Review status: criteria provided, single submitter. Criteria: ACMG Guidelines, 2015. Collection method: clinical testing. Allele origin: germline. Affected: yes. Observed: 2 variant alleles. Not counted in ClinVar's aggregate classification.

Myriad Genetics, Inc.
Classification: Likely pathogenic for Von Hippel-Lindau syndrome. Last evaluated: 2024-02-22. Review status: criteria provided, single submitter. Criteria: Myriad Autosomal Dominant, Autosomal Recessive and X-Linked Classification Criteria (2023). Collection method: clinical testing. Allele origin: unknown. Not counted in ClinVar's aggregate classification.
Comment: This variant is considered likely pathogenic. This variant has been reported in multiple individuals with clinical features of gene-specific disease [PMID: 7563486, 8772572, 19906784, 34628056].

Laboratory for Molecular Medicine, Mass General Brigham Personalized Medicine
Classification: Likely pathogenic for Von Hippel-Lindau syndrome. Last evaluated: 2024-02-07. Review status: criteria provided, single submitter. Criteria: ACMG Guidelines, 2015. Collection method: clinical testing. Allele origin: germline. Inheritance: Autosomal dominant inheritance. Not counted in ClinVar's aggregate classification.
Comment: The p.Leu188Val variant in VHL (also described as p.Leu259Val in the literature) has been reported in the heterozygous state in 6 individuals with von Hippel-Lindau syndrome type 2C and segregated with disease in at least 12 affected relatives from 2 families (Neumann 1995 PMID: 7563486, Ritter 1996 PMID: 8772572, Zbar 1996 PMID: 8956040, Neumann 2002 PMID: 12000816, Weirich 2002 PMID: 12414898). This variant has also been reported in the compound heterozygous state in 3 individuals with congenital polycythemia (Pastore 2003 PMID: 12844285, Bento 2005 PMID: 15642680). However, it has also been identified in 0.003% (39/1180038) of European chromosomes by gnomAD (v4.0.0). Furthermore, it has been identified in multiple adults with no known VHL-related tumors, suggesting that it may be associated with reduced penetrance (Savatt 2022 PMID: 35668420, Ambry Genetics personal communication). This variant has been reported in ClinVar (Variation ID 2225). In vitro functional studies provide some evidence that the p.Leu188Val variant may impact protein function (Hoffman 2001 PMID: 11331612, Kurban 2006 PMID: 16452184, Knauth 2009 PMID: 19228690). Computational prediction tools and conservation analyses are consistent with pathogenicity. In summary, although additional studies are required to fully establish its clinical significance, this variant meets criteria to be classified as likely pathogenic for autosomal dominant von Hippel-Lindau syndrome type 2C, however its penetrance may be reduced. ACMG/AMP codes applied: PS4_Moderate, PP1_Strong, PS3_Supporting, PP3.

All of Us Research Program, National Institutes of Health
Classification: Pathogenic for Von Hippel-Lindau syndrome. Last evaluated: 2024-01-22. Review status: criteria provided, single submitter. Criteria: ACMG Guidelines, 2015. Collection method: clinical testing. Allele origin: germline. Inheritance: Autosomal dominant inheritance. Observed: 10 variant alleles, 10 heterozygotes. Not counted in ClinVar's aggregate classification.
Comment: The c.562C>G (p.Leu188Val) variant in the VHL gene has been reported in patients with Von Hippel-Lindau syndrome [PMID 12414898, 12000816]. The variant was originally detected in two families diagnosed with mutiple endocrine neoplasia type IIA but without a RET pathogenic variant [PMID 7563486]. This variant was further detected and characterized as a pathogenic variant in patients with VHL type IIC, a disorder characterized with a risk for pheochromocytoma only [PMID 12414898, 12000816]. This variant was detected in 1/271 patients presenting with non syndromic pheochromocytoma [PMID 12000816]. It was also detected and showed to co- segregate with pheochromocytoma in a family with 6 affected individuals [PMID 12414898]. The variant was found in cis configuration with a p.Pro81Ser variant; however the p.Pro81Ser variant is now classified as likely benign and thus not thought to affect the phenotype of these reported patients. This p.Leu188Val was also reported in two siblings with congenital polycythaemia [PMID 23772956]. In vitro assays showed that this variant affects the extra cellular matrix assembly, which correlated with tumor angiogenesis [PMID 16452184]. The amino acid position 188 of the VHL protein is a hot spot for pathogenic variants causing Von Hippel-Lindau syndrome: additional variants affecting the same amino acid at position 188 (p.Leu188Arg, p.Leu188Gln and p.Leu188Pro) have been reported. This variant was observed in two European (Non Finnish) at the heterozygous state in the ExAC database. Leucine at amino acid position 188 of the VHL protein is highly conserved in mammals and while not clinically validated, computer-based algorithms predict this p.Leu188Val change to be deleterious. This variant is thus classified as pathogenic.

This study involves interpretation of variants in research participants for the purpose of population health screening. Participant phenotype was not available at the time of variant classification. Additional details can be found in publication PMID: 35346344, PMCID: PMC8962531

Baylor Genetics
Classification: Pathogenic for Chuvash polycythemia. Last evaluated: 2023-11-20. Review status: criteria provided, single submitter. Criteria: ACMG Guidelines, 2015. Collection method: clinical testing. Allele origin: unknown. Not counted in ClinVar's aggregate classification.